The following is an entry in ClinVar:

NM_001365951.3(KIF1B):c.2002G>A (p.Glu668Lys)

Gene: KIF1B (kinesin family member 1B; plus strand). Cytogenetic location: 1p36.22.
Variant type: single nucleotide variant.
Coding change: c.2002G>A on transcript NM_001365951.3 (MANE Select); coding-DNA position 2002, G replaced by A.
Protein change: p.Glu668Lys; replaces glutamic acid 668 with lysine.
Molecular consequence: missense variant.
Genome position (GRCh38, 1-based): chr1:10,297,037, G>A. VCF-style: chr1-10297037-G-A. GRCh37 (hg19) VCF-style: chr1-10357095-G-A.
Other names: c.2002G>A, p.Glu668Lys (NM_001365952.1); c.1864G>A, p.Glu622Lys (NM_001365953.1, NM_015074.3, NM_183416.4); short protein forms E622K, E668K.
Identifiers: ClinVar variation 5023169 (VCV005023169.1).
Genomic context (GRCh38, chr1:10,297,037, plus strand): 5'-CCTTCTGCTGAGACCCCCTCTGAGCCTGTGGACTGGACATTTGCCCAGAGGGAGCTTCTG[G>A]AAAAACAAGGAATTGATATGAAACAAGAGATGGAGAAAAGGTAATGCACAGTTACGCAGC-3'
Protein context (NP_001352880.1, residues 658-678): DWTFAQRELL[Glu668Lys]KQGIDMKQEM

ClinVar aggregate classification (germline): Uncertain significance (1 of 4 stars; one submission).

Submission:

Ambry Genetics
Classification: Uncertain significance. Last evaluated: 2026-06-18. Review status: criteria provided, single submitter. Criteria: Ambry Variant Classification Scheme 2023. Collection method: clinical testing. Allele origin: germline.
Comment: The p.E622K variant (also known as c.1864G>A), located in coding exon 18 of the KIF1B gene, results from a G to A substitution at nucleotide position 1864. The glutamic acid at codon 622 is replaced by lysine, an amino acid with similar properties. This amino acid position is conserved. In addition, this alteration is predicted to be deleterious by in silico analysis. Based on the available evidence, the clinical significance of this variant remains unclear.